The following is an entry in ClinVar:

NM_006231.4(POLE):c.2351A>T (p.Glu784Val)

Gene: POLE (DNA polymerase epsilon, catalytic subunit; minus strand). Cytogenetic location: 12q24.33.
Variant type: single nucleotide variant.
Coding change: c.2351A>T on transcript NM_006231.4 (MANE Select); coding-DNA position 2351, A replaced by T.
Protein change: p.Glu784Val; replaces glutamic acid 784 with valine.
Molecular consequence: missense variant.
Genome position (GRCh38, 1-based): chr12:132,665,419, T>A on the plus strand (A>T on the coding strand, the complement: POLE is on the minus strand). VCF-style: chr12-132665419-T-A. GRCh37 (hg19) VCF-style: chr12-133242005-T-A.
Other names: c.2351A>T (NM_006231.2); short protein forms E784V.
Identifiers: ClinVar variation 1015145 (VCV001015145.9), dbSNP rs2042773366, ClinGen allele CA387397799.

ClinVar aggregate classification (germline): Uncertain significance. Review status: criteria provided, multiple submitters, no conflicts (2 of 4 stars). 2 submissions from 2 submitters: Uncertain significance (2). Last evaluated 2024-09-06.

Conditions:
Hereditary cancer-predisposing syndrome. Also called: Hereditary Cancer Syndrome; Tumor predisposition; Neoplastic Syndromes, Hereditary; Hereditary neoplastic syndrome. Identifiers: Orphanet 140162, MedGen C0027672, MeSH D009386, MONDO:0015356.

Submissions (2):

Ambry Genetics
Classification: Uncertain significance for Hereditary cancer-predisposing syndrome. Last evaluated: 2024-09-06. Review status: criteria provided, single submitter. Criteria: Ambry Variant Classification Scheme 2023. Collection method: clinical testing. Allele origin: germline.
Comment: The p.E784V variant (also known as c.2351A>T), located in coding exon 21 of the POLE gene, results from an A to T substitution at nucleotide position 2351. The glutamic acid at codon 784 is replaced by valine, an amino acid with dissimilar properties. This amino acid position is conserved. In addition, this alteration is predicted to be tolerated by in silico analysis. Based on the available evidence, the clinical significance of this variant remains unclear.

Labcorp Genetics (formerly Invitae), Labcorp
Classification: Uncertain significance. Last evaluated: 2020-05-24. Review status: criteria provided, single submitter. Criteria: Invitae Variant Classification Sherloc (09022015). Collection method: clinical testing. Allele origin: germline.
Comment: This variant has not been reported in the literature in individuals with POLE-related conditions. In summary, the available evidence is currently insufficient to determine the role of this variant in disease. Therefore, it has been classified as a Variant of Uncertain Significance. Algorithms developed to predict the effect of missense changes on protein structure and function are either unavailable or do not agree on the potential impact of this missense change (SIFT: "Deleterious"; PolyPhen-2: "Benign"; Align-GVGD: "Class C0"). This variant is not present in population databases (ExAC no frequency). This sequence change replaces glutamic acid with valine at codon 784 of the POLE protein (p.Glu784Val). The glutamic acid residue is moderately conserved and there is a moderate physicochemical difference between glutamic acid and valine.